The following is an entry in ClinVar:

NM_000313.4(PROS1):c.1253dup (p.Asn418fs)

Gene: PROS1 (protein S; minus strand). Cytogenetic location: 3q11.1.
Variant type: Duplication.
Coding change: c.1253dup on transcript NM_000313.4 (MANE Select); coding-DNA position 1253, one base duplicated (A; older notation c.1253dupA).
Protein change: p.Asn418fs; shifts the reading frame from asparagine 418.
Molecular consequence: frameshift variant.
Genome position (GRCh38, 1-based): chr3:93,886,406, T duplicated on the plus strand (A on the coding strand, the reverse complement: PROS1 is on the minus strand); the first of 4 consecutive T bases (chr3:93,886,406-93,886,409); duplicating any one gives the same sequence. VCF-style (leftmost placement, unchanged base first): chr3-93886405-A-AT. GRCh37 (hg19) VCF-style: chr3-93605249-A-AT.
Other names: c.1349dup, p.Asn450fs (NM_001314077.2); short protein forms N418fs, N450fs.
Identifiers: ClinVar variation 2909776 (VCV002909776.3), dbSNP rs2472117699, ClinGen allele CA2739278619.

ClinVar aggregate classification (germline): Pathogenic (1 of 4 stars; one submission).

Conditions:
Thrombophilia due to protein S deficiency, autosomal recessive (THPH6). Identifiers: Orphanet 743, MedGen C3281092, MONDO:0013791, OMIM 614514. Disease mechanism: loss of function.

Submission:

Labcorp Genetics (formerly Invitae), Labcorp
Classification: Pathogenic for Thrombophilia due to protein S deficiency, autosomal recessive. Last evaluated: 2023-07-25. Review status: criteria provided, single submitter. Criteria: Invitae Variant Classification Sherloc (09022015). Collection method: clinical testing. Allele origin: germline.
Comment: This sequence change creates a premature translational stop signal (p.Asn418Lysfs*20) in the PROS1 gene. It is expected to result in an absent or disrupted protein product. Loss-of-function variants in PROS1 are known to be pathogenic (PMID: 9241758). This variant is not present in population databases (gnomAD no frequency). This variant has not been reported in the literature in individuals affected with PROS1-related conditions. For these reasons, this variant has been classified as Pathogenic.

Literature cited by the submitters: PubMed 9241758.